The following is an entry in ClinVar:

ClinVar aggregate classification (germline): Uncertain significance (1 of 4 stars; one submission).

Submission:

GeneDx
Classification: Uncertain significance. Last evaluated: 2024-01-16. Review status: criteria provided, single submitter. Criteria: GeneDx Variant Classification Process June 2021. Collection method: clinical testing. Allele origin: germline. Affected: yes.
Comment: Not observed at significant frequency in large population cohorts (gnomAD); In silico analysis supports that this missense variant has a deleterious effect on protein structure/function; Has not been previously published as pathogenic or benign to our knowledge

NM_003601.4(SMARCA5):c.2142C>G (p.Phe714Leu)

Gene: SMARCA5 (SNF2 related chromatin remodeling ATPase 5; plus strand). Cytogenetic location: 4q31.21.
Variant type: single nucleotide variant.
Coding change: c.2142C>G on transcript NM_003601.4 (MANE Select); coding-DNA position 2142, C replaced by G.
Protein change: p.Phe714Leu; replaces phenylalanine 714 with leucine.
Molecular consequence: missense variant.
Genome position (GRCh38, 1-based): chr4:143,543,942, C>G. VCF-style: chr4-143543942-C-G. GRCh37 (hg19) VCF-style: chr4-144465095-C-G.
Other names: short protein forms F714L.
Identifiers: ClinVar variation 3368036 (VCV003368036.1).